The following is an entry in ClinVar:

NM_001384910.1(GUCA1A):c.221T>A (p.Met74Lys)

Genes: GUCA1A (guanylate cyclase activator 1A; plus strand), GUCA1ANB-GUCA1A (GUCA1ANB-GUCA1A readthrough; plus strand). Cytogenetic location: 6p21.1.
Variant type: single nucleotide variant.
Coding change: c.221T>A on transcript NM_001384910.1 (MANE Select); coding-DNA position 221, T replaced by A.
Protein change: p.Met74Lys; replaces methionine 74 with lysine.
Molecular consequence: missense variant.
Genome position (GRCh38, 1-based): chr6:42,178,299, T>A. VCF-style: chr6-42178299-T-A. GRCh37 (hg19) VCF-style: chr6-42146037-T-A.
Other names: c.221T>A, p.Met74Lys (NM_000409.5, NM_001319061.2, NM_001319062.2); short protein forms M74K.
Identifiers: ClinVar variation 2999372 (VCV002999372.3), dbSNP rs1381620187, ClinGen allele CA364108645.

ClinVar aggregate classification (germline): Uncertain significance (1 of 4 stars; one submission).

Allele frequency attached by ClinVar (database versions not stated): gnomAD exomes 0.00001.

Submission:

Labcorp Genetics (formerly Invitae), Labcorp
Classification: Uncertain significance. Last evaluated: 2023-03-04. Review status: criteria provided, single submitter. Criteria: Invitae Variant Classification Sherloc (09022015). Collection method: clinical testing. Allele origin: germline.
Comment: This variant has not been reported in the literature in individuals affected with GUCA1A-related conditions. An algorithm developed to predict the effect of missense changes on protein structure and function (PolyPhen-2) suggests that this variant is likely to be disruptive. Algorithms developed to predict the effect of sequence changes on RNA splicing suggest that this variant may create or strengthen a splice site. In summary, the available evidence is currently insufficient to determine the role of this variant in disease. Therefore, it has been classified as a Variant of Uncertain Significance. This variant is present in population databases (no rsID available, gnomAD 0.0009%). This sequence change replaces methionine, which is neutral and non-polar, with lysine, which is basic and polar, at codon 74 of the GUCA1A protein (p.Met74Lys).